The following continues an entry in ClinVar:

NM_000243.3(MEFV):c.2080A>G (p.Met694Val)

ClinVar aggregate classification (germline): Pathogenic/Likely pathogenic. Pathogenic (49); Likely pathogenic (2).

Submissions 7 to 20 of 61:

Natera, Inc.
Classification: Pathogenic for Familial Mediterranean fever. Last evaluated: 2025-09-29. Review status: criteria provided, single submitter. Criteria: Natera Variant Classification Schema (03/2026). Collection method: clinical testing. Allele origin: germline.
Comment: The c.2080A>G variant in MEFV is a missense variant predicted to cause substitution of methionine to valine at amino acid 694. This variant is rare in the general population with a frequency below the threshold expected for the associated phenotype(s). This variant has been observed in at least one unaffected individual, with a zygosity that is consistent with the inheritance pattern for the associated condition (in gnomAD and/or literature). This variant has been observed in one or more individuals affected with the associated recessive disease, as either homozygous or compound heterozygous with a second variant (PMID: 32476680, 11470495). This variant has been found together with another disease-causing variant in the same copy of the gene (PMID: 26215181). Given the available evidence, this variant is classified as Pathogenic.

Institute of Human Genetics, University of Leipzig Medical Center
Classification: Pathogenic for Familial Mediterranean fever, autosomal dominant. Last evaluated: 2025-09-09. Review status: criteria provided, single submitter. Criteria: ACMG Guidelines, 2015. Collection method: clinical testing. Allele origin: unknown. Inheritance: Autosomal dominant inheritance. Affected: yes.
Comment: Criteria applied: PM3_VSTR,PM5_STR,PS3_MOD,PM2_SUP

ARUP Laboratories, Molecular Genetics and Genomics, ARUP Laboratories
Classification: Pathogenic. Last evaluated: 2025-06-02. Review status: criteria provided, single submitter. Criteria: ARUP Molecular Germline Variant Investigation Process 2024. Collection method: clinical testing. Allele origin: germline.
Comment: The MEFV c.2080A>G;p.Met694Val variant (rs61752717) has been published as a common familial Mediterranean fever (FMF) pathogenic variant (The International FMF Consortium 1997, Touitou 2001). Functional analysis of the variant protein shows diminished capacity to suppress IL-8 secretion in synovial cell cultures (Sugiyama 2014). This variant is reported as pathogenic by multiple laboratories in ClinVar (Variation ID: 2538), and is seen in the general population at an overall frequency of 0.03% (77/282876 including 1 homozygote) in the Genome Aggregation Database. Additionally, another variant at this codon (Met694Ile) has been reported in individuals with FMF and is considered pathogenic (Sugiyama 2014). Based on the above information, this variant is considered pathogenic. References: The International FMF Consortium. Ancient missense mutations in a new member of the RoRet gene family are likely to cause familial Mediterranean fever. 1997 Cell. 90:797-807. PMID: 9288758. Sugiyama R et al. Defect of suppression of inflammasome-independent interleukin-8 secretion from SW982 synovial sarcoma cells by familial Mediterranean fever-derived pyrin mutations. Mol Biol Rep. 2014 Jan;41(1):545-53. PMID: 24318677. Touitou I. The spectrum of Familial Mediterranean Fever (FMF) mutations. Eur J Hum Genet. 2001 9(7):478-483. PMID: 11464238.

Revvity Omics, Revvity
Classification: Pathogenic. Last evaluated: 2025-04-16. Review status: criteria provided, single submitter. Criteria: ACMG Guidelines, 2015. Collection method: clinical testing. Allele origin: germline.

Variantyx, Inc.
Classification: Pathogenic for Familial Mediterranean fever, autosomal dominant. Last evaluated: 2025-03-13. Review status: criteria provided, single submitter. Criteria: Variantyx Assertion Criteria 2022. Collection method: clinical testing. Allele origin: germline. Affected: yes.
Comment: This is a nonsynonymous variant in the MEFV gene (OMIM: 608107). Pathogenic variants in this gene have been associated with autosomal semidominant familial Mediterranean fever (FMF). This variant is the most common cause of FMF in Jewish individuals of North African origin. It has been reported in the heterozygous, compound heterozygous or homozygous state in many affected individuals (PMID: 37941861, 37738242, 9781020, 10364520, 20008920, 21290976, 22037353, 28828621, 10090880) (PS4). Individuals who are homozygous for this variant have an earlier age of onset and higher frequencies of arthritis and arthralgia than individuals with other biallelic pathogenic variants (PMID: 15643295). Also, individuals homozygous for the p.Met694Val variant have an increased risk of developing amyloidosis (PMID: 18353061, 11938447, 22037353, 37738242). Functional studies have shown that this variant alters MEFV protein function (PMID: 24318677, 27569559) (PS3). An alternate amino acid change at this position (p.Met694Ile) has been previously reported in affected individuals (PMID: 20051664, 16378925, 10787449, 10612841, 15805719, 12064853, 15168590) (PM5). This variant has a 0.0233% maximum allele frequency in non-founder control populations. Based on the current evidence, this variant is classified as pathogenic with reduced penetrance for autosomal semidominant familial Mediterranean fever (FMF).Autosomal dominant inheritance of FMF has been reported in individuals with severe pathogenic variants, including the in-frame deletion p.Met694del and two missense variants (p.Met694Val and p.Thr577Asn). Although the clinical severity of autosomal dominant FMF is typically reduced compared to autosomal recessive FMF, it is important to identify individuals with autosomal dominant FMF as about 15% of them develop amyloidosis and end-stage kidney failure if untreated.

Bioscientia Institut fuer Medizinische Diagnostik GmbH, Sonic Healthcare
Classification: Pathogenic for Familial Mediterranean fever. Last evaluated: 2025-03-06. Review status: criteria provided, single submitter. Criteria: ACMG Guidelines, 2015. Collection method: clinical testing. Allele origin: germline. Affected: yes.

First Genomix Gene Laboratory, Genetic Diagnostics Department
Classification: Pathogenic for Familial Mediterranean fever. Last evaluated: 2025-01-14. Review status: criteria provided, single submitter. Criteria: ACMG Guidelines, 2015. Collection method: clinical testing. Allele origin: germline. Inheritance: Autosomal recessive inheritance. Affected: no. Observed: 1 variant allele.

Blueprint Genetics
Classification: Pathogenic for MEFV-related disorders. Last evaluated: 2024-11-26. Review status: criteria provided, single submitter. Criteria: ACMG Guidelines, 2015. Collection method: clinical testing. Allele origin: germline. Affected: yes. Observed: 5 variant alleles.

Rady Children's Institute for Genomic Medicine, Rady Children's Hospital San Diego
Classification: Pathogenic for MEFV-related disorders. Last evaluated: 2024-08-29. Review status: criteria provided, single submitter. Criteria: ACMG Guidelines, 2015. Collection method: clinical testing. Allele origin: germline. Affected: yes.
Comment: The c.2080A>G (p.Met694Val) variant affects a moderately conserved amino acid and in silico tools used to predict the effect of this variant on protein function yield discordant results. This is a known variant previously reported as a heterozygous, compound heterozygous, and homozygous change in patients with MEFV-related disorders (PMID: 9288758, 20301405). The c.2080A>G (p.Met694Val) variant is located in the B30.2/SPRY domain, which is a known hotspot domain for pathogenic variations associated with MEFV-related disorders (PMID: 19302049, 28386255). Different amino acid changes at the same residue (p.Met694Ile, p.Met694Leu, p.Met694Lys) have been previously reported in individuals with MEFV-related disorders (PMID: 20301405, 9288094, 23031807). Functional studies have shown that this missense change has a damaging effect on the function of the MEFV protein (PMID: 24318677, 27270401). The c.2080A>G (p.Met694Val) variant is present in the gnomAD v4 population database at a frequency of 0.02% (285/1614154) in the heterozygous state and present in 3 individuals in the homozygous state. Based on the available evidence, this c.2080A>G (p.Met694Val) is classified as Pathogenic.

Greenwood Genetic Center Diagnostic Laboratories, Greenwood Genetic Center
Classification: Pathogenic for MEFV-related disorder. Last evaluated: 2024-08-14. Review status: criteria provided, single submitter. Criteria: ACMG Guidelines, 2015. Collection method: clinical testing. Allele origin: germline. Affected: yes.
Comment: PS3, PM3_Very Strong, PM5

Institute of Immunology and Genetics Kaiserslautern
Classification: Pathogenic for Familial Mediterranean fever, autosomal dominant. Last evaluated: 2024-07-20. Review status: criteria provided, single submitter. Criteria: ACMG Guidelines, 2015. Collection method: clinical testing. Allele origin: germline.
Comment: ACMG Criteria: PS3, PS4, PM1, PM3, PM5, PP5; Variant was found in heterozygous state

New York Genome Center
Classification: Pathogenic for Familial Mediterranean fever, autosomal dominant. Last evaluated: 2024-06-07. Review status: criteria provided, single submitter. Criteria: NYGC Assertion Criteria 2020. Collection method: clinical testing. Allele origin: inherited. Observed: 1 variant allele, 1 heterozygote.
Comment: The c.2080A>G, p.(Met694Val) variant in MEFV has previously been reported as one of the most common pathogenic variant associated with severe early onset familial Mediterranean fever (FMF) in multiple affected individuals in homozygous, compound heterozygous, or in heterozygous state [PMID: 10662876, 11728994, 22766764, 23907647, 28828621, 29080837, 29543225, 32806879, 32199921, 32741030, 20301405]. Individuals homozygous for this variant have increased risk for earlier onset, more severe symptoms, and for developing amyloidosis, and have decreased response to colchicine [PMID: 20301405, 2838625]. The c.2080A>G has been deposited in ClinVar [ClinVar ID: 2538] as Pathogenic/Likely Pathogenic by multiple submitters. The c.2080A>G variant is observed in 285 alleles (~0.018% minor allele frequency with 3 homozygotes) on gnomAD v4.1.0 database. The variant is located in the last exon of this 10-exon gene, and predicted to replace methionine amino acid with valine at position 694 (p.(Met694Val)) in the B30.2/SPRY domain [580-775aa, Uniprot, PMID: 32899315] of the encoded protein. In silico predictions are inconclusive [REVEL = 0.406], however, functional studies have shown that the p.(Met694Val) variant has damaging effect [PMID: 24318677, 33733382]. Another variant affecting the same p.(Met694) residue has been reported as pathogenic/likely pathogenic in the literature (p.Met694Ile) [PMID: 23907647, 32806879] and ClinVar [ClinVar ID: 2539]. Based on available evidence this inherited heterozygous c.2080A>G (p.Met694Val) variant identified in MEFV is classified as Pathogenic.

Baylor Genetics
Classification: Pathogenic for Familial Mediterranean fever, autosomal dominant. Last evaluated: 2024-03-30. Review status: criteria provided, single submitter. Criteria: ACMG Guidelines, 2015. Collection method: clinical testing. Allele origin: unknown.

Department of Human Genetics, Hannover Medical School
Classification: Pathogenic for Familial Mediterranean fever, autosomal dominant. Last evaluated: 2024-02-09. Review status: criteria provided, single submitter. Criteria: ACMG Guidelines, 2015. Collection method: clinical testing. Allele origin: germline. Affected: yes.